The following is an entry in ClinVar:

ClinVar aggregate classification (germline): Likely benign. Review status: criteria provided, multiple submitters, no conflicts (2 of 4 stars). 3 submissions from 3 submitters: Likely benign (3). Last evaluated 2026-01-28.

Allele frequency attached by ClinVar (database versions not stated): TOPMed 0.00008.

Submissions (3):

Labcorp Genetics (formerly Invitae), Labcorp
Classification: Likely benign. Last evaluated: 2026-01-28. Review status: criteria provided, single submitter. Criteria: Invitae Variant Classification Sherloc (09022015). Collection method: clinical testing. Allele origin: germline.

Blueprint Genetics
Classification: Likely benign. Last evaluated: 2024-06-12. Review status: criteria provided, single submitter. Criteria: ACMG Guidelines, 2015. Collection method: clinical testing. Allele origin: germline.

CeGaT Center for Human Genetics Tuebingen
Classification: Likely benign. Last evaluated: 2022-12-01. Review status: criteria provided, single submitter. Criteria: CeGaT Center For Human Genetics Tuebingen Variant Classification Criteria Version 2. Collection method: clinical testing. Allele origin: germline. Affected: yes. Observed: 1 variant allele.
Comment: FOXRED1: BP4, BP7

NM_017547.4(FOXRED1):c.135G>T (p.Leu45=)

Gene: FOXRED1 (FAD dependent oxidoreductase domain containing 1; plus strand). Cytogenetic location: 11q24.2.
Variant type: single nucleotide variant.
Coding change: c.135G>T on transcript NM_017547.4 (MANE Select); coding-DNA position 135, G replaced by T.
Protein change: p.Leu45=; no amino-acid change (leucine 45 retained).
Molecular consequence: synonymous variant. On other transcripts: non-coding transcript variant (1).
Genome position (GRCh38, 1-based): chr11:126,271,486, G>T. VCF-style: chr11-126271486-G-T. GRCh37 (hg19) VCF-style: chr11-126141381-G-T.
Other names: c.135G>T, p.Leu45= (NM_001425160.1, NM_001425161.1, NM_001425163.1 and 4 more transcripts); c.-396G>T (NM_001425169.1); c.-376G>T (NM_001425170.1); c.-423G>T (NM_001425171.1); c.-404G>T (NM_001425174.1, NM_001425175.1).
Identifiers: ClinVar variation 2642528 (VCV002642528.28), dbSNP rs767007186, ClinGen allele CA6353986.